The following is an entry in ClinVar:

ClinVar aggregate classification (germline): Pathogenic/Likely pathogenic. Review status: criteria provided, multiple submitters, no conflicts (2 of 4 stars). 11 submissions from 11 submitters: Pathogenic (7); Likely pathogenic (3). 1 of the submissions does not count toward it. Last evaluated 2026-07-14.

Conditions:
Retinitis pigmentosa (RP). Identifiers: Orphanet 791, MedGen C0035334, MeSH D012174, MONDO:0019200, OMIM 268000. Inheritance: Autosomal dominant, autosomal recessive and X linked inheritance.
CNGB1-related disorder. Also called: CNGB1-related condition.
Retinal dystrophy. Also called: Inherited retinal dystrophy. Identifiers: Orphanet 71862, MedGen C0854723, MeSH D058499, MONDO:0019118, HP:0000556.
Retinitis pigmentosa 45 (RP45). Identifiers: Orphanet 791, MedGen C3151066, MONDO:0013413, OMIM 613767.

Allele frequency attached by ClinVar (database versions not stated): gnomAD exomes 0.00002 and 0.00004; TOPMed 0.00002; ExAC 0.00003; gnomAD 0.00003.
gnomAD v4.1: 31 of 1,614,190 alleles (0.0019%); highest among the groups gnomAD compares: Middle Eastern, 0.033%; no homozygotes.

Submissions (11):

PreventionGenetics, part of Exact Sciences
Classification: Pathogenic for CNGB1-related condition. Last evaluated: 2026-07-14. Review status: criteria provided, single submitter. Criteria: ACMG Guidelines, 2015. Collection method: clinical testing. Allele origin: germline.
Comment: The CNGB1 c.2893-7G>A variant is predicted to interfere with splicing. This variant is predicted to decrease the strength of the canonical splice acceptor site (SpliceAI score 0.36) and create a cryptic splice acceptor site (SpliceAI score 0.99) (Jaganathan et al. 2019. PubMed ID: 30661751). This variant has been reported in the homozygous and compound heterozygous states in individuals with retinal disease (Table S2, Zampaglione et al. 2020. PubMed ID: 32037395; Table S2, Weisschuh et al. 2020. PubMed ID: 32531858; Table S1, Karali et al. 2022. PubMed ID: 36460718; Table S4, Panneman et al. 2023. PubMed ID: 36819107; Table S1, Hayman et al. 2024. PubMed ID: 37798099). This variant is present in 0.0083% of alleles in individuals of African descent in gnomAD. This variant is interpreted as pathogenic.

Dasa
Classification: Pathogenic. Last evaluated: 2026-04-20. Review status: criteria provided, single submitter. Criteria: DASA Assertion Criteria. Collection method: clinical testing. Allele origin: germline.
Comment: NM_001297.5(CNGB1):c.2893-7G>A is a splice-region variant predicted to affect normal RNA splicing. This variant has been observed in affected individuals with related phenotype in a genotype context consistent with recessive disease (PMID: 32037395; PMID: 36460718; PMID: 36819107; PMID: 32531858). This variant has been recurrently observed in individuals with related phenotype (PMID: 32037395; PMID: 36460718; PMID: 36819107; PMID: 32531858). Multiple computational predictions support a deleterious effect on the gene or gene product. The variant is present at low frequency in population datasets. Based on the available data, this variant is classified as pathogenic.

Labcorp Genetics (formerly Invitae), Labcorp
Classification: Pathogenic. Last evaluated: 2026-01-19. Review status: criteria provided, single submitter. Criteria: Invitae Variant Classification Sherloc (09022015). Collection method: clinical testing. Allele origin: germline.
Comment: This sequence change falls in intron 28 of the CNGB1 gene. It does not directly change the encoded amino acid sequence of the CNGB1 protein. This variant is present in population databases (rs749199721, gnomAD 0.008%). This variant has been observed in individuals with inherited retinal dystrophy (PMID: 32037395, 33847019; internal data). ClinVar contains an entry for this variant (Variation ID: 369953). Algorithms developed to predict the effect of sequence changes on RNA splicing suggest that this variant may disrupt the consensus splice site. For these reasons, this variant has been classified as Pathogenic.

Genomic Medicine Center of Excellence, King Faisal Specialist Hospital and Research Centre
Classification: Pathogenic for Retinitis pigmentosa 45. Last evaluated: 2025-09-10. Review status: criteria provided, single submitter. Criteria: ACMG Guidelines, 2015. Collection method: clinical testing. Allele origin: germline.

CeGaT Center for Human Genetics Tuebingen
Classification: Likely pathogenic. Last evaluated: 2025-01-01. Review status: criteria provided, single submitter. Criteria: CeGaT Center For Human Genetics Tuebingen Variant Classification Criteria Version 2. Collection method: clinical testing. Allele origin: germline. Affected: yes. Observed: 7 variant alleles.
Comment: CNGB1: PM3:Strong, PM2, PP3

Blueprint Genetics
Classification: Pathogenic for CNGB1-related disorders. Last evaluated: 2024-06-10. Review status: criteria provided, single submitter. Criteria: ACMG Guidelines, 2015. Collection method: clinical testing. Allele origin: germline. Affected: yes. Observed: 5 variant alleles.

Baylor Genetics
Classification: Pathogenic for Retinitis pigmentosa 45. Last evaluated: 2024-03-02. Review status: criteria provided, single submitter. Criteria: ACMG Guidelines, 2015. Collection method: clinical testing. Allele origin: unknown.

3billion
Classification: Likely pathogenic for Retinitis pigmentosa 45. Last evaluated: 2024-02-18. Review status: criteria provided, single submitter. Criteria: ACMG Guidelines, 2015. Collection method: clinical testing. Allele origin: germline. Affected: yes.
Comment: The variant is observed at an extremely low frequency in the gnomAD v2.1.1 dataset (total allele frequency: <0.001%). Predicted Consequence/Location: Canonical splice site: predicted to alter splicing and result in a loss or disruption of normal protein function. Multiple pathogenic loss-of-function variants are reported downstream of the variant. In silico tools predict the variant to alter splicing and produce an abnormal transcript [Splice AI: 0.99 (spliceogenicity >=0.2, non-spliceogenicity <0.1)]. The variant has been reported to be associated with CNGB1 related disorder (ClinVar ID: VCV001494232). Therefore, this variant is classified as Pathogenic according to the recommendation of ACMG/AMP guideline.

Institute of Human Genetics, Univ. Regensburg, Univ. Regensburg
Classification: Likely pathogenic for Retinal dystrophy. Last evaluated: 2022-01-01. Review status: criteria provided, single submitter. Criteria: ACMG Guidelines, 2015. Collection method: clinical testing. Allele origin: germline. Affected: yes.

Molecular Genetics Laboratory, Institute for Ophthalmic Research
Classification: Pathogenic for Retinitis pigmentosa. Last evaluated: 2020-01-09. Review status: criteria provided, single submitter. Criteria: ACMG Guidelines, 2015. Collection method: research. Allele origin: germline. Affected: yes.

Bioscientia Institut fuer Medizinische Diagnostik GmbH, Sonic Healthcare
Classification: Likely pathogenic for Retinitis pigmentosa 45. Review status: no assertion criteria provided. Collection method: clinical testing. Allele origin: germline. Affected: yes. Not counted in ClinVar's aggregate classification.

Literature cited by the submitters: PubMed 32037395 (cited by 4 submitters); PubMed 36460718 (cited by Dasa and Institute of Human Genetics, Univ. Regensburg, Univ. Regensburg); PubMed 36819107 (cited by Dasa and Institute of Human Genetics, Univ. Regensburg, Univ. Regensburg); PubMed 32531858 (cited by Dasa and Institute of Human Genetics, Univ. Regensburg, Univ. Regensburg); PubMed 33847019 (cited by Labcorp Genetics (formerly Invitae), Labcorp and Institute of Human Genetics, Univ. Regensburg, Univ. Regensburg); PubMed 31964843 (cited by Institute of Human Genetics, Univ. Regensburg, Univ. Regensburg).

NM_001297.5(CNGB1):c.2893-7G>A

Gene: CNGB1 (cyclic nucleotide gated channel subunit beta 1; minus strand). Cytogenetic location: 16q21.
Variant type: single nucleotide variant.
Coding change: c.2893-7G>A on transcript NM_001297.5 (MANE Select); 7 bases into the intron before coding-DNA position 2893, G replaced by A.
Molecular consequence: intron variant.
Genome position (GRCh38, 1-based): chr16:57,901,442, C>T on the plus strand (G>A on the coding strand, the complement: CNGB1 is on the minus strand). VCF-style: chr16-57901442-C-T. GRCh37 (hg19) VCF-style: chr16-57935346-C-T.
Other names: c.2875-7G>A (NM_001286130.2).
Identifiers: ClinVar variation 369953 (VCV000369953.56), dbSNP rs749199721, ClinGen allele CA8082767.